The following is an entry in ClinVar:

ClinVar aggregate classification (germline): Benign/Likely benign. Review status: criteria provided, multiple submitters, no conflicts (2 of 4 stars). 3 submissions from 3 submitters: Benign (1); Likely benign (2). Last evaluated 2026-01-28.

Conditions:
Autosomal dominant spastic paraplegia type 9. Identifiers: MedGen C1832669, MONDO:0015091.
Cutis laxa, autosomal dominant 3 (ADCL3). Identifiers: Orphanet 90348, MedGen C4225268, MONDO:0014706, OMIM 616603.
de Barsy syndrome. Also called: Cutis laxa-corneal clouding-oligophrenia syndrome. Identifiers: Orphanet 2962, MedGen C0268354, MONDO:0017569.

Submissions (3):

Labcorp Genetics (formerly Invitae), Labcorp
Classification: Benign for Autosomal dominant spastic paraplegia type 9; de Barsy syndrome; Cutis laxa, autosomal dominant 3. Last evaluated: 2026-01-28. Review status: criteria provided, single submitter. Criteria: Invitae Variant Classification Sherloc (09022015). Collection method: clinical testing. Allele origin: germline.

Blueprint Genetics
Classification: Likely benign. Last evaluated: 2023-12-27. Review status: criteria provided, single submitter. Criteria: ACMG Guidelines, 2015. Collection method: clinical testing. Allele origin: germline.

GeneDx
Classification: Likely benign. Last evaluated: 2017-08-15. Review status: criteria provided, single submitter. Criteria: GeneDx Variant Classification (06012015). Collection method: clinical testing. Allele origin: germline. Affected: yes.
Comment: This variant is considered likely benign or benign based on one or more of the following criteria: it is a conservative change, it occurs at a poorly conserved position in the protein, it is predicted to be benign by multiple in silico algorithms, and/or has population frequency not consistent with disease.

NM_002860.4(ALDH18A1):c.1606-18del

Gene: ALDH18A1 (aldehyde dehydrogenase 18 family member A1; minus strand). Cytogenetic location: 10q24.1.
Variant type: Deletion.
Coding change: c.1606-18del on transcript NM_002860.4 (MANE Select); 18 bases into the intron before coding-DNA position 1606, one base deleted (T; older notation c.1606-18delT).
Molecular consequence: intron variant.
Genome position (GRCh38, 1-based): chr10:95,614,179, A deleted on the plus strand (T on the coding strand, the reverse complement: ALDH18A1 is on the minus strand); the first of 5 consecutive A bases (chr10:95,614,179-95,614,183); deleting any one gives the same sequence. VCF-style (leftmost placement, unchanged base first): chr10-95614178-GA-G. GRCh37 (hg19) VCF-style: chr10-97373935-GA-G.
Other names: c.1606-18delT (NM_002860.3); c.970-18del (NM_001323419.2); c.1273-18del (NM_001323412.2, NM_001323416.2); c.1501-18del (NM_001323417.2); c.1600-18del (NM_001017423.2, NM_001323415.2); c.1267-18del (NM_001323418.2); c.1606-18del (NM_001323413.2, NM_001323414.2).
Identifiers: ClinVar variation 511462 (VCV000511462.10), dbSNP rs532582192, ClinGen allele CA5620262.